The following is an entry in ClinVar:

NM_000093.5(COL5A1):c.2662C>T (p.Pro888Ser)

Gene: COL5A1 (collagen type V alpha 1 chain; plus strand). Cytogenetic location: 9q34.3.
Variant type: single nucleotide variant.
Coding change: c.2662C>T on transcript NM_000093.5 (MANE Select); coding-DNA position 2662, C replaced by T.
Protein change: p.Pro888Ser; replaces proline 888 with serine.
Molecular consequence: missense variant.
Genome position (GRCh38, 1-based): chr9:134,789,170, C>T. VCF-style: chr9-134789170-C-T. GRCh37 (hg19) VCF-style: chr9-137681016-C-T.
Other names: c.2662C>T, p.Pro888Ser (NM_001278074.1); short protein forms P888S.
Identifiers: ClinVar variation 3253167 (VCV003253167.1), dbSNP rs1166806390.

ClinVar aggregate classification (germline): Uncertain significance (1 of 4 stars; one submission).

gnomAD v4.1: 1 of 1,613,068 alleles (0.000062%); no homozygotes.

Submission:

GeneDx
Classification: Uncertain significance. Last evaluated: 2023-12-11. Review status: criteria provided, single submitter. Criteria: GeneDx Variant Classification Process June 2021. Collection method: clinical testing. Allele origin: germline. Affected: yes.
Comment: Not observed at significant frequency in large population cohorts (gnomAD); In silico analysis supports that this missense variant has a deleterious effect on protein structure/function; Has not been previously published as pathogenic or benign to our knowledge; This variant is associated with the following publications: (PMID: 22696272)